The following is an entry in ClinVar:

ClinVar aggregate classification (germline): Uncertain significance (1 of 4 stars; one submission).

Conditions:
Spondylocostal dysostosis 1, autosomal recessive (SCDO1). Also called: DLL3-Related Spondylocostal Dysostosis, Autosomal Recessive. Identifiers: Orphanet 2311, MedGen CN032975, MONDO:0020692, OMIM 277300.

Submission:

ARUP Laboratories, Molecular Genetics and Genomics, ARUP Laboratories
Classification: Uncertain significance for Spondylocostal dysostosis 1, autosomal recessive. Last evaluated: 2019-01-24. Review status: criteria provided, single submitter. Criteria: ARUP Molecular Germline Variant Investigation Process. Collection method: clinical testing. Allele origin: germline.
Comment: The DLL3 c.221A>C; p.Glu74Ala variant, to our knowledge, is not described in the medical literature or in gene-specific databases. It is also absent from general population databases (Exome Variant Server and Genome Aggregation Database), indicating it is not a common polymorphism. The glutamic acid at codon 74 is moderately conserved, and computational algorithms (PolyPhen-2, SIFT) predict that this variant is deleterious. However, due to the lack of clinical and functional data regarding this variant, its clinical significance cannot be determined with certainty.

NM_203486.3(DLL3):c.221A>C (p.Glu74Ala)

Gene: DLL3 (delta like canonical Notch ligand 3; plus strand). Cytogenetic location: 19q13.2.
Variant type: single nucleotide variant.
Coding change: c.221A>C on transcript NM_203486.3 (MANE Select); coding-DNA position 221, A replaced by C.
Protein change: p.Glu74Ala; replaces glutamic acid 74 with alanine.
Molecular consequence: missense variant.
Genome position (GRCh38, 1-based): chr19:39,499,343, A>C. VCF-style: chr19-39499343-A-C. GRCh37 (hg19) VCF-style: chr19-39989983-A-C.
Other names: c.221A>C, p.Glu74Ala (NM_016941.4); short protein forms E74A.
Identifiers: ClinVar variation 811272 (VCV000811272.8), dbSNP rs1600751637, ClinGen allele CA405793733.